The following is an entry in ClinVar:

NM_080425.4(GNAS):c.1255G>T (p.Asp419Tyr)

Gene: GNAS (GNAS complex locus; plus strand). Cytogenetic location: 20q13.32.
Variant type: single nucleotide variant.
Coding change: c.1255G>T on transcript NM_080425.4 (MANE Plus Clinical); coding-DNA position 1255, G replaced by T.
Protein change: p.Asp419Tyr; replaces aspartic acid 419 with tyrosine.
Molecular consequence: missense variant. On other transcripts: synonymous variant (2), intron variant (3).
Genome position (GRCh38, 1-based): chr20:58,854,520, G>T. VCF-style: chr20-58854520-G-T. GRCh37 (hg19) VCF-style: chr20-57429575-G-T.
Other names: c.1068G>T, p.Pro356= (NM_001077490.3, NM_001309883.1); c.1255G>T, p.Asp419Tyr (NM_001410913.1); c.*42+13634G>T (NM_016592.5); c.43+13634G>T (NM_001410912.1); c.-39+12645G>T (NM_001309861.2); short protein forms D419Y.
Identifiers: ClinVar variation 3035009 (VCV003035009.3), dbSNP rs981765080, ClinGen allele CA316342470.
Genomic context (GRCh38, chr20:58,854,520, plus strand): 5'-CCAGCCGATCCTGACTCCGGGGCAACCCCAGAAGATCCCGACTCCGGGACAGCACCAGCC[G>T]ATCCTGACTCCGGGGCATTCGCAGCCGATCCCGACTCCGGGGCAGCCCCTGCCGCCCCAG-3'
Protein context (NP_536350.2, residues 409-429): EDPDSGTAPA[Asp419Tyr]PDSGAFAADP

ClinVar aggregate classification (germline): Uncertain significance (1 of 4 stars; one submission).

Conditions:
GNAS-related disorder. Identifiers: MedGen CN380105.

gnomAD v4.1: 22 of 1,584,148 alleles (0.0014%); highest among the groups gnomAD compares: African/African-American, 0.023%; no homozygotes.

Submission:

PreventionGenetics, part of Exact Sciences
Classification: Uncertain significance for GNAS-related condition. Last evaluated: 2026-06-24. Review status: criteria provided, single submitter. Criteria: ACMG Guidelines, 2015. Collection method: clinical testing. Allele origin: germline.
Comment: The GNAS c.1255G>T variant is predicted to result in the amino acid substitution p.Asp419Tyr. In the NM_000516 transcript this variant corresponds to a pre-coding position (c.-37207G>T). To our knowledge, this variant has not been reported in the literature. This variant is reported in 0.026% of alleles in individuals of African descent in gnomAD. At this time, the clinical significance of this variant is uncertain due to the absence of conclusive functional and genetic evidence.